The following is an entry in ClinVar:

NM_007294.4(BRCA1):c.472A>C (p.Asn158His)

Gene: BRCA1 (BRCA1 DNA repair associated; minus strand). Cytogenetic location: 17q21.31.
Variant type: single nucleotide variant.
Coding change: c.472A>C on transcript NM_007294.4 (MANE Select); coding-DNA position 472, A replaced by C.
Protein change: p.Asn158His; replaces asparagine 158 with histidine.
Molecular consequence: missense variant. On other transcripts: non-coding transcript variant (1).
Genome position (GRCh38, 1-based): chr17:43,099,850, T>G on the plus strand (A>C on the coding strand, the complement: BRCA1 is on the minus strand). VCF-style: chr17-43099850-T-G. GRCh37 (hg19) VCF-style: chr17-41251867-T-G.
Other names: c.259A>C, p.Asn87His (NM_001407571.1, NM_001407956.1, NM_001407958.1 and 18 more transcripts); c.472A>C, p.Asn158His (NM_001407581.1, NM_001407582.1, NM_001407583.1 and 97 more transcripts); c.469A>C, p.Asn157His (NM_001407587.1, NM_001407590.1, NM_001407591.1 and 65 more transcripts); c.262A>C, p.Asn88His (NM_001407957.1, NM_001408478.1, NM_001407879.1 and 37 more transcripts); c.91A>C, p.Asn31His (NM_001407959.1, NM_001407960.1, NM_001407963.1 and 3 more transcripts); c.88A>C, p.Asn30His (NM_001407962.1); c.328A>C, p.Asn110His (NM_001407964.1, NM_001407740.1, NM_001407741.1 and 35 more transcripts); c.463A>C, p.Asn155His (NM_001407646.1, NM_001407647.1, NM_001408408.1); and 4 more; short protein forms N110H, N111H, N158H, N113H, N131H, N31H, N87H, N88H.
Identifiers: ClinVar variation 1742698 (VCV001742698.4), dbSNP rs397509192, ClinGen allele CA10601196.

ClinVar aggregate classification (germline): Uncertain significance. Review status: criteria provided, multiple submitters, no conflicts (2 of 4 stars). 2 submissions from 2 submitters: Uncertain significance (2). Last evaluated 2024-05-02.

Conditions:
Hereditary cancer-predisposing syndrome. Also called: Hereditary Cancer Syndrome; Hereditary neoplastic syndrome; Neoplastic Syndromes, Hereditary; Tumor predisposition. Identifiers: Orphanet 140162, MedGen C0027672, MeSH D009386, MONDO:0015356.
Hereditary breast ovarian cancer syndrome. Also called: Hereditary breast and ovarian cancer syndrome (HBOC); Hereditary breast and ovarian cancer syndrome; Breast and ovarian cancer; Hereditary breast and/or ovarian cancer syndrome; Hereditary breast and ovarian cancer; BRCA1- and BRCA2-Associated Hereditary Breast and Ovarian Cancer. Identifiers: Orphanet 145, MedGen C0677776, MeSH D061325, MONDO:0003582. Disease mechanism: loss of function.

Submissions (2):

Labcorp Genetics (formerly Invitae), Labcorp
Classification: Uncertain significance for Hereditary breast ovarian cancer syndrome. Last evaluated: 2024-05-02. Review status: criteria provided, single submitter. Criteria: Invitae Variant Classification Sherloc (09022015). Collection method: clinical testing. Allele origin: germline.
Comment: This sequence change replaces asparagine, which is neutral and polar, with histidine, which is basic and polar, at codon 158 of the BRCA1 protein (p.Asn158His). This variant is not present in population databases (gnomAD no frequency). This variant has not been reported in the literature in individuals affected with BRCA1-related conditions. ClinVar contains an entry for this variant (Variation ID: 1742698). Advanced modeling of protein sequence and biophysical properties (such as structural, functional, and spatial information, amino acid conservation, physicochemical variation, residue mobility, and thermodynamic stability) performed at Invitae indicates that this missense variant is not expected to disrupt BRCA1 protein function with a negative predictive value of 95%. Experimental studies have shown that this missense change does not substantially affect BRCA1 function (PMID: 25823446). In summary, the available evidence is currently insufficient to determine the role of this variant in disease. Therefore, it has been classified as a Variant of Uncertain Significance.

Ambry Genetics
Classification: Uncertain significance for Hereditary cancer-predisposing syndrome. Last evaluated: 2021-08-24. Review status: criteria provided, single submitter. Criteria: Ambry Variant Classification Scheme 2023. Collection method: clinical testing. Allele origin: germline.
Comment: The p.N158H variant (also known as c.472A>C), located in coding exon 6 of the BRCA1 gene, results from an A to C substitution at nucleotide position 472. The asparagine at codon 158 is replaced by histidine, an amino acid with similar properties. This amino acid position is conserved. In addition, the in silico prediction for this alteration is inconclusive. Since supporting evidence is limited at this time, the clinical significance of this alteration remains unclear.

Literature cited by the submitters: PubMed 25823446 (cited by Labcorp Genetics (formerly Invitae), Labcorp).